The following is an entry in ClinVar:

NM_001035.3(RYR2):c.13162GGA[1] (p.Gly4389del)

Genes: RYR2 (ryanodine receptor 2; plus strand), LOC126806068 (BRD4-independent group 4 enhancer GRCh37_chr1:237947411-237948610; plus strand). Cytogenetic location: 1q43.
Variant type: Microsatellite.
Coding change: c.13162GGA[1] on transcript NM_001035.3 (MANE Select); one copy of the 3-base unit GGA starting at c.13162; the reference has two copies in a row; one copy, 3 bases deleted; also written c.13165_13167del.
Protein change: p.Gly4389del; deletes glycine 4389.
Molecular consequence: inframe deletion.
Genome position (GRCh38, 1-based): chr1:237,784,877-237,784,879, GGA deleted; deleting any 3 consecutive bases within chr1:237,784,873-237,784,879 gives the same sequence; the position shown is the placement nearest the transcript's 3' end. VCF-style (leftmost placement, unchanged base first): chr1-237784872-AAGG-A. GRCh37 (hg19) VCF-style: chr1-237948172-AAGG-A.
Other names: c.13165_13167del (NM_001035.3); short protein forms G4389del.
Identifiers: ClinVar variation 924757 (VCV000924757.4), dbSNP rs1695419973, ClinGen allele CA913187874.
Genomic context (GRCh38, chr1:237,784,872, plus strand): 5'-AGGAGCTGACAGAGGAAAGTGACCTTCTTTCGGACATCTTTGGCCTGGATCTGAAGAGAG[AAGG>A]AGGACAGTACAAACTGATTCCTCATAATCCAAATGCTGGGCTCAGTGACCTCATGAGCAA-3'

ClinVar aggregate classification (germline): Uncertain significance. Review status: criteria provided, multiple submitters, no conflicts (2 of 4 stars). 2 submissions from 2 submitters: Uncertain significance (2). Last evaluated 2025-09-10.

Conditions:
Cardiomyopathy (CMYO). Also called: Cardiomyopathies. Identifiers: Orphanet 167848, MedGen C0878544, MONDO:0004994, HP:0001638. Inheritance: Various modes of inheritance.
Catecholaminergic polymorphic ventricular tachycardia 1. Also called: VENTRICULAR TACHYCARDIA, CATECHOLAMINERGIC POLYMORPHIC, 1, WITH OR WITHOUT ATRIAL DYSFUNCTION AND/OR DILATED CARDIOMYOPATHY; RYR2-Related Catecholaminergic Polymorphic Ventricular Tachycardia; VENTRICULAR TACHYCARDIA, STRESS-INDUCED POLYMORPHIC 1. Identifiers: Orphanet 3286, MedGen C1631597, MONDO:0011484, OMIM 604772.

Submissions (2):

Labcorp Genetics (formerly Invitae), Labcorp
Classification: Uncertain significance for Catecholaminergic polymorphic ventricular tachycardia 1. Last evaluated: 2025-09-10. Review status: criteria provided, single submitter. Criteria: Invitae Variant Classification Sherloc (09022015). Collection method: clinical testing. Allele origin: germline.
Comment: This variant, c.13165_13167del, results in the deletion of 1 amino acid(s) of the RYR2 protein (p.Gly4389del), but otherwise preserves the integrity of the reading frame. This variant is not present in population databases (gnomAD no frequency). This variant has not been reported in the literature in individuals affected with RYR2-related conditions. Experimental studies and prediction algorithms are not available or were not evaluated, and the functional significance of this variant is currently unknown. In summary, the available evidence is currently insufficient to determine the role of this variant in disease. Therefore, it has been classified as a Variant of Uncertain Significance.

Color Diagnostics, LLC DBA Color Health
Classification: Uncertain significance for Cardiomyopathy. Last evaluated: 2018-11-26. Review status: criteria provided, single submitter. Criteria: ACMG Guidelines, 2015. Collection method: clinical testing. Allele origin: germline.
Comment: Variant of Uncertain Significance due to insufficient evidence: This variant is located in the pore-forming region of the RYR2 protein. To our knowledge, functional assays have not been performed for this variant. Computational splicing tools suggest that this variant may not impact RNA splicing. This variant has not been reported in individuals affected with cardiovascular disorders in the literature. This variant is rare in the general population and has been identified in 0/277264 chromosomes by the Genome Aggregation Database (gnomAD). Available evidence is insufficient to determine the pathogenicity of this variant conclusively.